The following is an entry in ClinVar:

NM_002911.4(UPF1):c.1723C>T (p.Gln575Ter)

Gene: UPF1 (UPF1 RNA helicase and ATPase; plus strand). Cytogenetic location: 19p13.11.
Variant type: single nucleotide variant.
Coding change: c.1723C>T on transcript NM_002911.4 (MANE Select); coding-DNA position 1723, C replaced by T.
Protein change: p.Gln575Ter; replaces glutamine 575 with a stop codon.
Molecular consequence: nonsense.
Genome position (GRCh38, 1-based): chr19:18,856,199, C>T. VCF-style: chr19-18856199-C-T. GRCh37 (hg19) VCF-style: chr19-18967008-C-T.
Other names: c.1756C>T, p.Gln586Ter (NM_001297549.2); short protein forms Q575*, Q586*.
Identifiers: ClinVar variation 3766363 (VCV003766363.1).

ClinVar aggregate classification (germline): Uncertain significance (1 of 4 stars; one submission).

Submission:

GeneDx
Classification: Uncertain significance. Last evaluated: 2024-08-26. Review status: criteria provided, single submitter. Criteria: GeneDx Variant Classification Process June 2021. Collection method: clinical testing. Allele origin: germline. Affected: yes.
Comment: Not observed at significant frequency in large population cohorts (gnomAD); Nonsense variant predicted to result in protein truncation or nonsense mediated decay in a gene or region of a gene for which loss of function is not a well-established mechanism of disease; Has not been previously published as pathogenic or benign to our knowledge